The following is an entry in ClinVar:

NM_000501.4(ELN):c.1027G>C (p.Gly343Arg)

Gene: ELN (elastin; plus strand). Cytogenetic location: 7q11.23.
Variant type: single nucleotide variant.
Coding change: c.1027G>C on transcript NM_000501.4 (MANE Select); coding-DNA position 1027, G replaced by C.
Protein change: p.Gly343Arg; replaces glycine 343 with arginine.
Molecular consequence: missense variant.
Genome position (GRCh38, 1-based): chr7:74,053,240, G>C. VCF-style: chr7-74053240-G-C. GRCh37 (hg19) VCF-style: chr7-73467570-G-C.
Other names: c.1027G>C (NM_000501.2); c.997G>C, p.Gly333Arg (NM_001081752.3, NM_001278917.2); c.1042G>C, p.Gly348Arg (NM_001081753.3, NM_001081754.3); c.1027G>C, p.Gly343Arg (NM_001081755.3, NM_001278912.2, NM_001278915.2 and 1 more transcripts); c.919G>C, p.Gly307Arg (NM_001278913.2); c.1012G>C, p.Gly338Arg (NM_001278914.2); c.985G>C, p.Gly329Arg (NM_001278916.2); c.895G>C, p.Gly299Arg (NM_001278918.2); short protein forms G348R, G299R, G333R, G338R, G329R, G307R, G343R.
Identifiers: ClinVar variation 1471740 (VCV001471740.9), dbSNP rs781939749, ClinGen allele CA4292805.

ClinVar aggregate classification (germline): Uncertain significance. Review status: criteria provided, multiple submitters, no conflicts (2 of 4 stars). 2 submissions from 2 submitters: Uncertain significance (2). Last evaluated 2025-09-28.

Conditions:
Supravalvar aortic stenosis (SVAS). Also called: Supravalvar aortic stenosis, Eisenberg type. Identifiers: Orphanet 3193, MedGen C0003499, MONDO:0008504, OMIM 185500, HP:0004381.
Inborn genetic diseases. Identifiers: MedGen C0950123, MeSH D030342.

Allele frequency attached by ClinVar (database versions not stated): gnomAD exomes below 0.00001; ExAC 0.00001; gnomAD 0.00001.

Submissions (2):

Ambry Genetics
Classification: Uncertain significance for Inborn genetic diseases. Last evaluated: 2025-09-28. Review status: criteria provided, single submitter. Criteria: Ambry Variant Classification Scheme 2023. Collection method: clinical testing. Allele origin: germline.

Labcorp Genetics (formerly Invitae), Labcorp
Classification: Uncertain significance for Supravalvar aortic stenosis. Last evaluated: 2022-08-09. Review status: criteria provided, single submitter. Criteria: Invitae Variant Classification Sherloc (09022015). Collection method: clinical testing. Allele origin: germline.
Comment: In summary, the available evidence is currently insufficient to determine the role of this variant in disease. Therefore, it has been classified as a Variant of Uncertain Significance. Algorithms developed to predict the effect of missense changes on protein structure and function are either unavailable or do not agree on the potential impact of this missense change (SIFT: "Deleterious"; PolyPhen-2: "Not Available"; Align-GVGD: "Class C0"). ClinVar contains an entry for this variant (Variation ID: 1471740). This variant has not been reported in the literature in individuals affected with ELN-related conditions. This variant is present in population databases (rs781939749, gnomAD 0.0009%). This sequence change replaces glycine, which is neutral and non-polar, with arginine, which is basic and polar, at codon 343 of the ELN protein (p.Gly343Arg).